The following is an entry in ClinVar:

ClinVar aggregate classification (germline): Pathogenic (1 of 4 stars; one submission).

Conditions:
Charcot-Marie-Tooth disease recessive intermediate C. Also called: CHARCOT-MARIE-TOOTH NEUROPATHY, RECESSIVE INTERMEDIATE C. Identifiers: Orphanet 369867, MedGen C3809309, MONDO:0014154, OMIM 615376.
Neuronopathy, distal hereditary motor, autosomal recessive 4. Also called: NEUROPATHY, DISTAL HEREDITARY MOTOR, AUTOSOMAL RECESSIVE 4; Autosomal recessive lower motor neuron disease with childhood onset. Identifiers: Orphanet 206580, MedGen C1970211, MONDO:0012608, OMIM 611067.

Submission:

Labcorp Genetics (formerly Invitae), Labcorp
Classification: Pathogenic for Neuronopathy, distal hereditary motor, autosomal recessive 4; Charcot-Marie-Tooth disease recessive intermediate C. Last evaluated: 2019-09-24. Review status: criteria provided, single submitter. Criteria: Invitae Variant Classification Sherloc (09022015). Collection method: clinical testing. Allele origin: germline.
Comment: For these reasons, this variant has been classified as Pathogenic. Loss-of-function variants in PLEKHG5 are known to be pathogenic (PMID: 17564964, 23777631). This variant has not been reported in the literature in individuals with PLEKHG5-related conditions. This variant is not present in population databases (ExAC no frequency). This sequence change creates a premature translational stop signal (p.Leu383Alafs*20) in the PLEKHG5 gene. It is expected to result in an absent or disrupted protein product.

Literature cited by the submitters: PubMed 17564964; PubMed 23777631.

NM_020631.6(PLEKHG5):c.1145_1146dup (p.Leu383fs)

Gene: PLEKHG5 (pleckstrin homology and RhoGEF domain containing G5; minus strand). Cytogenetic location: 1p36.31.
Variant type: Microsatellite.
Coding change: c.1145_1146dup on transcript NM_020631.6 (MANE Select); coding-DNA positions 1145 to 1146, 2 bases duplicated (GC; older notation c.1145_1146dupGC).
Protein change: p.Leu383fs; shifts the reading frame from leucine 383.
Molecular consequence: frameshift variant.
Genome position (GRCh38, 1-based): chr1:6,471,623-6,471,624, GC duplicated on the plus strand (GC on the coding strand, the reverse complement: PLEKHG5 is on the minus strand); duplicating any 2 consecutive bases within chr1:6,471,623-6,471,626 gives the same sequence; the c. name uses the placement nearest the transcript's 3' end. VCF-style (leftmost placement, unchanged base first): chr1-6471622-G-GGC. GRCh37 (hg19) VCF-style: chr1-6531682-G-GGC.
Other names: c.1256_1257dup, p.Leu420fs (NM_001042663.3, NM_001265592.2); c.1143_1144GC[3], p.Leu383Alafs (NM_001042664.2, NM_001042665.2, NM_001265594.3); c.1350_1351GC[3], p.Leu452Alafs (NM_001265593.2); c.1145_1146dup, p.Leu383fs (NM_198681.4); short protein forms L420fs, L383fs, L452fs.
Identifiers: ClinVar variation 963691 (VCV000963691.8), dbSNP rs1644591704, ClinGen allele CA1151499872.